The following is an entry in ClinVar:

NM_032444.4(SLX4):c.1924+59C>T

Gene: SLX4 (SLX4 structure-specific endonuclease subunit; minus strand). Cytogenetic location: 16p13.3.
Variant type: single nucleotide variant.
Coding change: c.1924+59C>T on transcript NM_032444.4 (MANE Select); 59 bases into the intron after coding-DNA position 1924, C replaced by T.
Molecular consequence: intron variant.
Genome position (GRCh38, 1-based): chr16:3,596,094, G>A on the plus strand (C>T on the coding strand, the complement: SLX4 is on the minus strand). VCF-style: chr16-3596094-G-A. GRCh37 (hg19) VCF-style: chr16-3646095-G-A.
Identifiers: ClinVar variation 929623 (VCV000929623.1), dbSNP rs577529582, ClinGen allele CA276962221.

ClinVar aggregate classification (germline): Likely benign (0 of 4 stars; one submission).

Allele frequency attached by ClinVar (database versions not stated): 1000 Genomes Project 0.00020; TOPMed 0.00023; gnomAD 0.00028; 1000 Genomes Project 30x 0.00031.
gnomAD v4.1: 477 of 1,526,436 alleles (0.031%); highest among the groups gnomAD compares: Middle Eastern, 0.052%; no homozygotes.

Submission:

Leiden Open Variation Database
Classification: Likely benign. Last evaluated: 2012-08-31. Review status: no assertion criteria provided. Collection method: curation. Allele origin: germline. Affected: yes.
Comment: Curator: Arleen D. Auerbach. Submitter to LOVD: Janine Bakker.

Literature cited by the submitters: PubMed 22911665.